The following is an entry in ClinVar:

NM_001323289.2(CDKL5):c.2013C>T (p.Gly671=)

Gene: CDKL5 (cyclin dependent kinase like 5; plus strand). Cytogenetic location: Xp22.13.
Variant type: single nucleotide variant.
Coding change: c.2013C>T on transcript NM_001323289.2 (MANE Select); coding-DNA position 2013, C replaced by T.
Protein change: p.Gly671=; no amino-acid change (glycine 671 retained).
Molecular consequence: synonymous variant.
Genome position (GRCh38, 1-based): chrX:18,608,879, C>T. VCF-style: chrX-18608879-C-T. GRCh37 (hg19) VCF-style: chrX-18626999-C-T.
Other names: c.2013C>T, p.Gly671= (NM_001037343.2, NM_003159.3).
Identifiers: ClinVar variation 645940 (VCV000645940.12), dbSNP rs1602289218, ClinGen allele CA515472296.
Genomic context (GRCh38, chrX:18,608,879, plus strand): 5'-ACAGCTCCCTCCAGAGATGACTGTGGCAAGATCTTCGGTCAAAGAGACCTCCAGAGAAGG[C>T]ACCTCTTCCTTCCATACACGCCAGAAGTCTGAGGTATGTCACAATAAAATATGCCTGTAA-3'
Protein context (NP_001310218.1, residues 661-681): RSSVKETSRE[Gly671=]TSSFHTRQKS

ClinVar aggregate classification (germline): Uncertain significance. Review status: criteria provided, multiple submitters, no conflicts (2 of 4 stars). 2 submissions from 2 submitters: Uncertain significance (2). Last evaluated 2024-07-23.

Conditions:
Angelman syndrome-like. Identifiers: MedGen CN128785.
Developmental and epileptic encephalopathy, 2 (DEE2). Also called: INFANTILE SPASM SYNDROME, X-LINKED 2; CDKL5 deficiency disorder. Identifiers: Orphanet 1934, Orphanet 3451, Orphanet 505652, MedGen C4750718, MONDO:0010396, OMIM 300672.

Submissions (2):

GeneDx
Classification: Uncertain significance. Last evaluated: 2024-07-23. Review status: criteria provided, single submitter. Criteria: GeneDx Variant Classification Process June 2021. Collection method: clinical testing. Allele origin: germline. Affected: yes.
Comment: In silico analysis suggests this variant may impact gene splicing. In the absence of RNA/functional studies, the actual effect of this sequence change is unknown.; Has not been previously published as pathogenic or benign to our knowledge

Labcorp Genetics (formerly Invitae), Labcorp
Classification: Uncertain significance for Developmental and epileptic encephalopathy, 2; Angelman syndrome-like. Last evaluated: 2023-08-16. Review status: criteria provided, single submitter. Criteria: Invitae Variant Classification Sherloc (09022015). Collection method: clinical testing. Allele origin: germline.
Comment: This sequence change affects codon 671 of the CDKL5 mRNA. It is a 'silent' change, meaning that it does not change the encoded amino acid sequence of the CDKL5 protein. This variant is not present in population databases (gnomAD no frequency). This variant has not been reported in the literature in individuals affected with CDKL5-related conditions. ClinVar contains an entry for this variant (Variation ID: 645940). Algorithms developed to predict the effect of sequence changes on RNA splicing suggest that this variant may create or strengthen a splice site. In summary, the available evidence is currently insufficient to determine the role of this variant in disease. Therefore, it has been classified as a Variant of Uncertain Significance.